The following is an entry in ClinVar:

ClinVar aggregate classification (germline): Uncertain significance (1 of 4 stars; one submission).

Conditions:
Seizures, benign familial infantile, 3 (BFIS3). Also called: CONVULSIONS, BENIGN FAMILIAL INFANTILE, 3; Familial neonatal seizures. Identifiers: Orphanet 140927, Orphanet 306, MedGen C1843140, MONDO:0011904, OMIM 607745.
Developmental and epileptic encephalopathy, 11 (DEE11). Also called: Early infantile epileptic encephalopathy 11. Identifiers: Orphanet 1934, MedGen C3150987, MONDO:0013388, OMIM 613721.

Allele frequency attached by ClinVar (database versions not stated): gnomAD exomes below 0.00001.
gnomAD v4.1: 1 of 1,614,122 alleles (0.000062%); highest among the groups gnomAD compares: Non-Finnish European, 0.000085%; no homozygotes.

Submission:

Labcorp Genetics (formerly Invitae), Labcorp
Classification: Uncertain significance for Seizures, benign familial infantile, 3; Developmental and epileptic encephalopathy, 11. Last evaluated: 2021-12-15. Review status: criteria provided, single submitter. Criteria: Invitae Variant Classification Sherloc (09022015). Collection method: clinical testing. Allele origin: germline.
Comment: This sequence change replaces lysine, which is basic and polar, with arginine, which is basic and polar, at codon 1236 of the SCN2A protein (p.Lys1236Arg). This variant is not present in population databases (gnomAD no frequency). This variant has not been reported in the literature in individuals affected with SCN2A-related conditions. Algorithms developed to predict the effect of missense changes on protein structure and function are either unavailable or do not agree on the potential impact of this missense change (SIFT: "Deleterious"; PolyPhen-2: "Benign"; Align-GVGD: "Class C0"). In summary, the available evidence is currently insufficient to determine the role of this variant in disease. Therefore, it has been classified as a Variant of Uncertain Significance.

NM_001040142.2(SCN2A):c.3707A>G (p.Lys1236Arg)

Gene: SCN2A (sodium voltage-gated channel alpha subunit 2; plus strand). Cytogenetic location: 2q24.3.
Variant type: single nucleotide variant.
Coding change: c.3707A>G on transcript NM_001040142.2 (MANE Select); coding-DNA position 3707, A replaced by G.
Protein change: p.Lys1236Arg; replaces lysine 1236 with arginine.
Molecular consequence: missense variant.
Genome position (GRCh38, 1-based): chr2:165,370,157, A>G. VCF-style: chr2-165370157-A-G. GRCh37 (hg19) VCF-style: chr2-166226667-A-G.
Other names: c.3707A>G, p.Lys1236Arg (NM_001040143.2, NM_001371246.1, NM_001371247.1 and 1 more transcripts); short protein forms K1236R.
Identifiers: ClinVar variation 1397045 (VCV001397045.6), dbSNP rs2105365136, ClinGen allele CA349027649.